The following is an entry in ClinVar:

ClinVar aggregate classification (germline): Uncertain significance (1 of 4 stars; one submission).

Submission:

GeneDx
Classification: Uncertain significance. Last evaluated: 2026-07-26. Review status: criteria provided, single submitter. Criteria: GeneDx Variant Classification Process June 2021. Collection method: clinical testing. Allele origin: germline.
Comment: Not observed at significant frequency in large population cohorts (gnomAD); In silico analysis suggests that this missense variant does not alter protein structure/function; Has not been previously published as pathogenic or benign to our knowledge

NM_001127222.2(CACNA1A):c.101G>C (p.Gly34Ala)

Gene: CACNA1A (calcium voltage-gated channel subunit alpha1 A; minus strand). Cytogenetic location: 19p13.13.
Variant type: single nucleotide variant.
Coding change: c.101G>C on transcript NM_001127222.2 (MANE Select); coding-DNA position 101, G replaced by C.
Protein change: p.Gly34Ala; replaces glycine 34 with alanine.
Molecular consequence: missense variant.
Genome position (GRCh38, 1-based): chr19:13,506,124, C>G on the plus strand (G>C on the coding strand, the complement: CACNA1A is on the minus strand). VCF-style: chr19-13506124-C-G. GRCh37 (hg19) VCF-style: chr19-13616938-C-G.
Other names: c.101G>C, p.Gly34Ala (NM_000068.4, NM_001127221.2, NM_001174080.2 and 1 more transcripts); short protein forms G34A.
Identifiers: ClinVar variation 4529867 (VCV004529867.2).